The following is an entry in ClinVar:

ClinVar aggregate classification (germline): Pathogenic. Review status: criteria provided, multiple submitters, no conflicts (2 of 4 stars). 4 submissions from 4 submitters: Pathogenic (4). Last evaluated 2025-05-16.

Conditions:
MYH6-related disorder. Also called: MYH6-related condition; MYH6-Related Disorders.
Hypertrophic cardiomyopathy 14. Identifiers: MedGen C2750467, MONDO:0013197, OMIM 613251.
Abnormal heart morphology. Also called: Abnormality of cardiac morphology; Heart, malformation of. Identifiers: MedGen C0018798, MeSH D006330, HP:0001627.

gnomAD v4.1: 1 of 1,614,258 alleles (0.000062%); no homozygotes.

Submissions (4):

GeneDx
Classification: Pathogenic. Last evaluated: 2025-05-16. Review status: criteria provided, single submitter. Criteria: GeneDx Variant Classification Process June 2021. Collection method: clinical testing. Allele origin: germline. Affected: yes.
Comment: Canonical splice site variant in a gene or region of a gene for which loss of function is not a well-established mechanism of disease; Not observed at significant frequency in large population cohorts (gnomAD); This variant is associated with the following publications: (PMID: 32368696, 25326635, 38370698, 39226896, 36129056)

Rady Children's Institute for Genomic Medicine, Rady Children's Hospital San Diego
Classification: Pathogenic for MYH6-Related Disorders. Last evaluated: 2024-08-16. Review status: criteria provided, single submitter. Criteria: ACMG Guidelines, 2015. Collection method: clinical testing. Allele origin: germline. Affected: yes.
Comment: This variant affects the canonical splice donor site of intron 13 and is therefore predicted to interfere with splicing and result in loss of normal protein function through either protein truncation or nonsense-mediated mRNA decay. This variant has been previously reported as a heterozygous change in patients with autosomal dominant congenital heart defects including atrial septal defects, coarctation of the aorta, hypoplastic left heart, and tetrology of fallot (PMID: 32368696, 36129056, 38370698, ClinVar Variation ID: 561059). The c.1410+1G>A variant is present in the latest version of the gnomAD population database at an allele frequency of 0.00006% (1/1614258) and thus is presumed to be rare. Based on the available evidence, c.1410+1G>A is classified as Pathogenic.

Labcorp Genetics (formerly Invitae), Labcorp
Classification: Pathogenic for Hypertrophic cardiomyopathy 14. Last evaluated: 2023-04-29. Review status: criteria provided, single submitter. Criteria: Invitae Variant Classification Sherloc (09022015). Collection method: clinical testing. Allele origin: germline.
Comment: This sequence change affects a donor splice site in intron 13 of the MYH6 gene. It is expected to disrupt RNA splicing. Variants that disrupt the donor or acceptor splice site typically lead to a loss of protein function (PMID: 16199547), however the current clinical and genetic evidence is not sufficient to establish whether loss-of-function variants in MYH6 cause disease. This variant is not present in population databases (gnomAD no frequency). Disruption of this splice site has been observed in individual(s) with conotruncal defect and/or multiple congenital heart defects (PMID: 25326635, 32368696). In at least one individual the variant was observed to be de novo. ClinVar contains an entry for this variant (Variation ID: 561059). Algorithms developed to predict the effect of sequence changes on RNA splicing suggest that this variant may disrupt the consensus splice site. For these reasons, this variant has been classified as Pathogenic.

Baylor Genetics
Classification: Pathogenic for Congenital heart defects. Last evaluated: 2017-09-01. Review status: criteria provided, single submitter. Criteria: ACMG Guidelines, 2015. Collection method: clinical testing. Allele origin: maternal. Inheritance: Autosomal dominant inheritance. Affected: yes.
Comment: Although most MYH6 variants reported in patients are missense, a nonsense and a splicing variant have been reported in patients with tricuspid atresia and ASD respectively (PMID:20656787).

Literature cited by the submitters: PubMed 16199547 (cited by Labcorp Genetics (formerly Invitae), Labcorp); PubMed 25326635 (cited by Labcorp Genetics (formerly Invitae), Labcorp and Baylor Genetics); PubMed 32368696 (cited by Labcorp Genetics (formerly Invitae), Labcorp).

NM_002471.4(MYH6):c.1410+1G>A

Gene: MYH6 (myosin heavy chain 6; minus strand). Cytogenetic location: 14q11.2.
Variant type: single nucleotide variant.
Coding change: c.1410+1G>A on transcript NM_002471.4 (MANE Select); the canonical splice donor site of the intron after coding-DNA position 1410, G replaced by A.
Molecular consequence: splice donor variant.
Genome position (GRCh38, 1-based): chr14:23,400,708, C>T on the plus strand (G>A on the coding strand, the complement: MYH6 is on the minus strand). VCF-style: chr14-23400708-C-T. GRCh37 (hg19) VCF-style: chr14-23869917-C-T.
Identifiers: ClinVar variation 561059 (VCV000561059.9), dbSNP rs1566513862, ClinGen allele CA389023274.